The following is an entry in ClinVar:

ClinVar aggregate classification (germline): Uncertain significance (1 of 4 stars; one submission).

Conditions:
Neurofibromatosis, type 1 (NF1). Also called: NEUROFIBROMATOSIS, TYPE I, SOMATIC; Peripheral type neurofibromatosis; VON RECKLINGHAUSEN DISEASE; Neurofibromatosis, type I. Identifiers: Orphanet 636, MedGen C0027831, MONDO:0018975, OMIM 162200. Disease mechanism: loss of function.

Submission:

Labcorp Genetics (formerly Invitae), Labcorp
Classification: Uncertain significance for Neurofibromatosis, type 1. Last evaluated: 2022-11-10. Review status: criteria provided, single submitter. Criteria: Invitae Variant Classification Sherloc (09022015). Collection method: clinical testing. Allele origin: germline.
Comment: In summary, the available evidence is currently insufficient to determine the role of this variant in disease. Therefore, it has been classified as a Variant of Uncertain Significance. This variant disrupts the p.Gly1869 amino acid residue in NF1. Other variant(s) that disrupt this residue have been determined to be pathogenic (PMID: 26275891; Invitae). This suggests that this residue is clinically significant, and that variants that disrupt this residue are likely to be disease-causing. Advanced modeling of protein sequence and biophysical properties (such as structural, functional, and spatial information, amino acid conservation, physicochemical variation, residue mobility, and thermodynamic stability) performed at Invitae indicates that this missense variant is expected to disrupt NF1 protein function. This variant has not been reported in the literature in individuals affected with NF1-related conditions. This variant is not present in population databases (gnomAD no frequency). This sequence change replaces glycine, which is neutral and non-polar, with aspartic acid, which is acidic and polar, at codon 1869 of the NF1 protein (p.Gly1869Asp).

Literature cited by the submitters: PubMed 26275891.

NM_001042492.3(NF1):c.5669G>A (p.Gly1890Asp)

Gene: NF1 (neurofibromin 1; plus strand). Cytogenetic location: 17q11.2.
Variant type: single nucleotide variant.
Coding change: c.5669G>A on transcript NM_001042492.3 (MANE Select); coding-DNA position 5669, G replaced by A.
Protein change: p.Gly1890Asp; replaces glycine 1890 with aspartic acid.
Molecular consequence: missense variant.
Genome position (GRCh38, 1-based): chr17:31,330,355, G>A. VCF-style: chr17-31330355-G-A. GRCh37 (hg19) VCF-style: chr17-29657373-G-A.
Other names: c.5606G>A, p.Gly1869Asp (NM_000267.4); short protein forms G1869D, G1890D.
Identifiers: ClinVar variation 2812997 (VCV002812997.3), dbSNP rs1567613630, ClinGen allele CA399010218.